The following is an entry in ClinVar:

ClinVar aggregate classification (germline): Uncertain significance (1 of 4 stars; one submission).

Submission:

Ambry Genetics
Classification: Uncertain significance. Last evaluated: 2023-06-15. Review status: criteria provided, single submitter. Criteria: Ambry Variant Classification Scheme 2023. Collection method: clinical testing. Allele origin: germline.
Comment: The p.I198F variant (also known as c.592A>T), located in coding exon 1 of the EGLN1 gene, results from an A to T substitution at nucleotide position 592. The isoleucine at codon 198 is replaced by phenylalanine, an amino acid with highly similar properties. This amino acid position is conserved. In addition, this alteration is predicted to be tolerated by in silico analysis. Since supporting evidence is limited at this time, the clinical significance of this alteration remains unclear.

NM_022051.3(EGLN1):c.592A>T (p.Ile198Phe)

Gene: EGLN1 (egl-9 family hypoxia inducible factor 1; minus strand). Cytogenetic location: 1q42.2.
Variant type: single nucleotide variant.
Coding change: c.592A>T on transcript NM_022051.3 (MANE Select); coding-DNA position 592, A replaced by T.
Protein change: p.Ile198Phe; replaces isoleucine 198 with phenylalanine.
Molecular consequence: missense variant.
Genome position (GRCh38, 1-based): chr1:231,421,297, T>A on the plus strand (A>T on the coding strand, the complement: EGLN1 is on the minus strand). VCF-style: chr1-231421297-T-A. GRCh37 (hg19) VCF-style: chr1-231557043-T-A.
Other names: c.592A>T, p.Ile198Phe (NM_001377260.1, NM_001377261.1); short protein forms I198F.
Identifiers: ClinVar variation 2626694 (VCV002626694.2), dbSNP rs2527359385, ClinGen allele CA345236421.
Genomic context (GRCh38, chr1:231,421,297, plus strand): 5'-TCTCCTTGCCGAGGAAGTCGTCCACCACACAGATGCCGTGCTTGTTCATGCACGGCACGA[T>A]GTACTCGAGCGCCAGCTTCAGCGCCGGCAGGGGCTTCGTCTGCCCGTTGGGCCGCAGGCC-3'
Protein context (NP_071334.1, residues 188-208): LPALKLALEY[Ile198Phe]VPCMNKHGIC